The following is an entry in ClinVar:

NM_080680.3(COL11A2):c.1378G>C (p.Gly460Arg)

Gene: COL11A2 (collagen type XI alpha 2 chain; minus strand). Cytogenetic location: 6p21.32.
Variant type: single nucleotide variant.
Coding change: c.1378G>C on transcript NM_080680.3 (MANE Select); coding-DNA position 1378, G replaced by C.
Protein change: p.Gly460Arg; replaces glycine 460 with arginine.
Molecular consequence: missense variant.
Genome position (GRCh38, 1-based): chr6:33,179,787, C>G on the plus strand (G>C on the coding strand, the complement: COL11A2 is on the minus strand). VCF-style: chr6-33179787-C-G. GRCh37 (hg19) VCF-style: chr6-33147564-C-G.
Other names: c.1057G>C, p.Gly353Arg (NM_080679.3); c.1120G>C, p.Gly374Arg (NM_080681.3); short protein forms G460R, G353R, G374R.
Identifiers: ClinVar variation 2141717 (VCV002141717.4), dbSNP rs200635355, ClinGen allele CA363606062.

ClinVar aggregate classification (germline): Uncertain significance (1 of 4 stars; one submission).

gnomAD v4.1: 2 of 1,611,706 alleles (0.00012%); highest among the groups gnomAD compares: Non-Finnish European, 0.00017%; no homozygotes.

Submission:

Labcorp Genetics (formerly Invitae), Labcorp
Classification: Uncertain significance. Last evaluated: 2023-05-18. Review status: criteria provided, single submitter. Criteria: Invitae Variant Classification Sherloc (09022015). Collection method: clinical testing. Allele origin: germline.
Comment: This sequence change replaces glycine, which is neutral and non-polar, with arginine, which is basic and polar, at codon 460 of the COL11A2 protein (p.Gly460Arg). This variant is not present in population databases (gnomAD no frequency). In summary, the available evidence is currently insufficient to determine the role of this variant in disease. Therefore, it has been classified as a Variant of Uncertain Significance. Algorithms developed to predict the effect of sequence changes on RNA splicing suggest that this variant may create or strengthen a splice site. Advanced modeling of protein sequence and biophysical properties (such as structural, functional, and spatial information, amino acid conservation, physicochemical variation, residue mobility, and thermodynamic stability) performed at Invitae indicates that this missense variant is not expected to disrupt COL11A2 protein function. ClinVar contains an entry for this variant (Variation ID: 2141717). This variant has not been reported in the literature in individuals affected with COL11A2-related conditions.